The following is an entry in ClinVar:

ClinVar aggregate classification (germline): Uncertain significance. Review status: criteria provided, multiple submitters, no conflicts (2 of 4 stars). 2 submissions from 2 submitters: Uncertain significance (2). Last evaluated 2026-02-16.

Conditions:
Hereditary cancer-predisposing syndrome. Also called: Tumor predisposition; Hereditary Cancer Syndrome; Hereditary neoplastic syndrome; Neoplastic Syndromes, Hereditary. Identifiers: Orphanet 140162, MedGen C0027672, MeSH D009386, MONDO:0015356.

Allele frequency attached by ClinVar (database versions not stated): TOPMed below 0.00001.

Submissions (2):

Ambry Genetics
Classification: Uncertain significance for Hereditary cancer-predisposing syndrome. Last evaluated: 2026-02-16. Review status: criteria provided, single submitter. Criteria: Ambry Variant Classification Scheme 2023. Collection method: clinical testing. Allele origin: germline.
Comment: The p.T981R variant (also known as c.2942C>G), located in coding exon 21 of the MSH3 gene, results from a C to G substitution at nucleotide position 2942. The threonine at codon 981 is replaced by arginine, an amino acid with similar properties. This amino acid position is conserved. In addition, this alteration is predicted to be deleterious by in silico analysis. Based on the available evidence, the clinical significance of this variant remains unclear.

Labcorp Genetics (formerly Invitae), Labcorp
Classification: Uncertain significance. Last evaluated: 2023-07-28. Review status: criteria provided, single submitter. Criteria: Invitae Variant Classification Sherloc (09022015). Collection method: clinical testing. Allele origin: germline.
Comment: An algorithm developed to predict the effect of missense changes on protein structure and function (PolyPhen-2) suggests that this variant is likely to be disruptive. In summary, the available evidence is currently insufficient to determine the role of this variant in disease. Therefore, it has been classified as a Variant of Uncertain Significance. This variant has not been reported in the literature in individuals affected with MSH3-related conditions. This variant is not present in population databases (gnomAD no frequency). This sequence change replaces threonine, which is neutral and polar, with arginine, which is basic and polar, at codon 981 of the MSH3 protein (p.Thr981Arg).

NM_002439.5(MSH3):c.2942C>G (p.Thr981Arg)

Gene: MSH3 (mutS homolog 3; plus strand). Cytogenetic location: 5q14.1.
Variant type: single nucleotide variant.
Coding change: c.2942C>G on transcript NM_002439.5 (MANE Select); coding-DNA position 2942, C replaced by G.
Protein change: p.Thr981Arg; replaces threonine 981 with arginine.
Molecular consequence: missense variant.
Genome position (GRCh38, 1-based): chr5:80,854,258, C>G. VCF-style: chr5-80854258-C-G. GRCh37 (hg19) VCF-style: chr5-80150077-C-G.
Other names: c.2942C>G (NM_002439.3); short protein forms T981R.
Identifiers: ClinVar variation 2747964 (VCV002747964.4), dbSNP rs761465174, ClinGen allele CA360275739.